The following is an entry in ClinVar:

ClinVar aggregate classification (germline): Uncertain significance (1 of 4 stars; one submission).

Allele frequency attached by ClinVar (database versions not stated): gnomAD 0.00002; TOPMed 0.00003; gnomAD exomes 0.00001.
gnomAD v4.1: 13 of 1,613,984 alleles (0.00081%); highest among the groups gnomAD compares: African/African-American, 0.0013%; no homozygotes.

Submission:

Labcorp Genetics (formerly Invitae), Labcorp
Classification: Uncertain significance. Last evaluated: 2021-11-27. Review status: criteria provided, single submitter. Criteria: Invitae Variant Classification Sherloc (09022015). Collection method: clinical testing. Allele origin: germline.
Comment: In summary, the available evidence is currently insufficient to determine the role of this variant in disease. Therefore, it has been classified as a Variant of Uncertain Significance. Algorithms developed to predict the effect of missense changes on protein structure and function (SIFT, PolyPhen-2, Align-GVGD) all suggest that this variant is likely to be disruptive. This variant has not been reported in the literature in individuals affected with KARS-related conditions. This variant is present in population databases (no rsID available, gnomAD 0.002%). This sequence change replaces arginine, which is basic and polar, with tryptophan, which is neutral and slightly polar, at codon 537 of the KARS protein (p.Arg537Trp).

NM_005548.3(KARS1):c.1525C>T (p.Arg509Trp)

Gene: KARS1 (lysyl-tRNA synthetase 1; minus strand). Cytogenetic location: 16q23.1.
Variant type: single nucleotide variant.
Coding change: c.1525C>T on transcript NM_005548.3 (MANE Select); coding-DNA position 1525, C replaced by T.
Protein change: p.Arg509Trp; replaces arginine 509 with tryptophan.
Molecular consequence: missense variant.
Genome position (GRCh38, 1-based): chr16:75,629,441, G>A on the plus strand (C>T on the coding strand, the complement: KARS1 is on the minus strand). VCF-style: chr16-75629441-G-A. GRCh37 (hg19) VCF-style: chr16-75663339-G-A.
Other names: c.1609C>T, p.Arg537Trp (NM_001130089.2); c.1057C>T, p.Arg353Trp (NM_001378148.1); short protein forms R353W, R509W, R537W.
Identifiers: ClinVar variation 1682412 (VCV001682412.5), dbSNP rs1442188504, ClinGen allele CA396810609.